The following is an entry in ClinVar:

ClinVar aggregate classification (germline): Uncertain significance (1 of 4 stars; one submission).

Conditions:
Cardiovascular phenotype. Identifiers: MedGen CN230736.

Submission:

Ambry Genetics
Classification: Uncertain significance for Cardiovascular phenotype. Last evaluated: 2022-02-03. Review status: criteria provided, single submitter. Criteria: Ambry Variant Classification Scheme 2023. Collection method: clinical testing. Allele origin: germline.
Comment: The p.F473L variant (also known as c.1419T>G), located in coding exon 13 of the MYH7 gene, results from a T to G substitution at nucleotide position 1419. The phenylalanine at codon 473 is replaced by leucine, an amino acid with highly similar properties. This alteration is located in the myosin head domain, which contains a statistically significant clustering of pathogenic missense variants (Homburger JR et al. Proc Natl Acad Sci U S A, 2016 06;113:6701-6; Walsh R et al. Genet Med, 2017 02;19:192-203; Ambry internal data). This amino acid position is highly conserved in available vertebrate species. In addition, the in silico prediction for this alteration is inconclusive. Since supporting evidence is limited at this time, the clinical significance of this alteration remains unclear.

NM_000257.4(MYH7):c.1419T>G (p.Phe473Leu)

Gene: MYH7 (myosin heavy chain 7; minus strand). Cytogenetic location: 14q11.2.
Variant type: single nucleotide variant.
Coding change: c.1419T>G on transcript NM_000257.4 (MANE Select); coding-DNA position 1419, T replaced by G.
Protein change: p.Phe473Leu; replaces phenylalanine 473 with leucine.
Molecular consequence: missense variant.
Genome position (GRCh38, 1-based): chr14:23,428,659, A>C on the plus strand (T>G on the coding strand, the complement: MYH7 is on the minus strand). VCF-style: chr14-23428659-A-C. GRCh37 (hg19) VCF-style: chr14-23897868-A-C.
Other names: c.1419T>G, p.Phe473Leu (NM_001407004.1); short protein forms F473L.
Identifiers: ClinVar variation 1772205 (VCV001772205.2), dbSNP rs1156825628, ClinGen allele CA389050647.
Genomic context (GRCh38, chr14:23,428,659, plus strand): 5'-CATGTGGTGGTTGAAGAACTGCTGCAGCTTCTCGTTGGTGAAGTTGATGCAGAGCTGCTC[A>C]AAGCTGTTGAACTGCAGGGGGCATGAGGGGTGGGAGCAGTCAGAAAGTGGGTGTGAGTGG-3'
Protein context (NP_000248.2, residues 463-483): AGFEIFDFNS[Phe473Leu]EQLCINFTNE